The following is an entry in ClinVar:

NM_000709.4(BCKDHA):c.33G>A (p.Trp11Ter)

Gene: BCKDHA (branched chain keto acid dehydrogenase E1 subunit alpha; plus strand). Cytogenetic location: 19q13.2.
Variant type: single nucleotide variant.
Coding change: c.33G>A on transcript NM_000709.4 (MANE Select); coding-DNA position 33, G replaced by A.
Protein change: p.Trp11Ter; replaces tryptophan 11 with a stop codon.
Molecular consequence: nonsense.
Genome position (GRCh38, 1-based): chr19:41,397,860, G>A. VCF-style: chr19-41397860-G-A. GRCh37 (hg19) VCF-style: chr19-41903765-G-A.
Other names: c.33G>A, p.Trp11Ter (NM_001164783.2); short protein forms W11*.
Identifiers: ClinVar variation 1456714 (VCV001456714.6), dbSNP rs1207966026, ClinGen allele CA406023147.
Genomic context (GRCh38, chr19:41,397,860, plus strand): 5'-CCGGACCGCTGAGTGGTTGTTAGCCAAGATGGCGGTAGCGATCGCTGCAGCGAGGGTCTG[G>A]CGGCTAAACCGTGGTTTGAGCCAGGCTGCCCTCCTGCTGCTGCGGCAGCCTGGGGCTCGG-3'

ClinVar aggregate classification (germline): Pathogenic (1 of 4 stars; one submission).

Conditions:
Maple syrup urine disease (MSUD). Identifiers: Orphanet 511, MedGen C0024776, MeSH D008375, MONDO:0009563. Disease mechanism: loss of function.

Submission:

Labcorp Genetics (formerly Invitae), Labcorp
Classification: Pathogenic for Maple syrup urine disease. Last evaluated: 2021-06-25. Review status: criteria provided, single submitter. Criteria: Invitae Variant Classification Sherloc (09022015). Collection method: clinical testing. Allele origin: germline.
Comment: For these reasons, this variant has been classified as Pathogenic. This variant has not been reported in the literature in individuals with BCKDHA-related conditions. This variant is not present in population databases (ExAC no frequency). This sequence change creates a premature translational stop signal (p.Trp11*) in the BCKDHA gene. It is expected to result in an absent or disrupted protein product. Loss-of-function variants in BCKDHA are known to be pathogenic (PMID: 16786533, 22593002).

Literature cited by the submitters: PubMed 16786533; PubMed 22593002.